The following is an entry in ClinVar:

ClinVar aggregate classification (germline): Uncertain significance. Review status: criteria provided, multiple submitters, no conflicts (2 of 4 stars). 2 submissions from 2 submitters: Uncertain significance (2). Last evaluated 2025-08-02.

Allele frequency attached by ClinVar (database versions not stated): TOPMed below 0.00001; gnomAD exomes 0.00001.
gnomAD v4.1: 12 of 1,613,896 alleles (0.00074%); highest among the groups gnomAD compares: Admixed American, 0.018%; no homozygotes.

Submissions (2):

Ambry Genetics
Classification: Uncertain significance. Last evaluated: 2025-08-02. Review status: criteria provided, single submitter. Criteria: Ambry Variant Classification Scheme 2023. Collection method: clinical testing. Allele origin: germline.

Labcorp Genetics (formerly Invitae), Labcorp
Classification: Uncertain significance. Last evaluated: 2023-08-17. Review status: criteria provided, single submitter. Criteria: Invitae Variant Classification Sherloc (09022015). Collection method: clinical testing. Allele origin: germline.
Comment: In summary, the available evidence is currently insufficient to determine the role of this variant in disease. Therefore, it has been classified as a Variant of Uncertain Significance. Advanced modeling of protein sequence and biophysical properties (such as structural, functional, and spatial information, amino acid conservation, physicochemical variation, residue mobility, and thermodynamic stability) performed at Invitae indicates that this missense variant is not expected to disrupt PIGC protein function. ClinVar contains an entry for this variant (Variation ID: 2169336). This variant has not been reported in the literature in individuals affected with PIGC-related conditions. This variant is present in population databases (no rsID available, gnomAD 0.003%). This sequence change replaces methionine, which is neutral and non-polar, with isoleucine, which is neutral and non-polar, at codon 75 of the PIGC protein (p.Met75Ile).

NM_153747.2(PIGC):c.225G>A (p.Met75Ile)

Genes: C1orf105 (chromosome 1 open reading frame 105; plus strand), PIGC (phosphatidylinositol glycan anchor biosynthesis class C; minus strand). Cytogenetic location: 1q24.3.
Variant type: single nucleotide variant.
Coding change: c.225G>A on transcript NM_153747.2 (MANE Select); coding-DNA position 225, G replaced by A.
Protein change: p.Met75Ile; replaces methionine 75 with isoleucine.
Molecular consequence: missense variant. On other transcripts: intron variant (1).
Genome position (GRCh38, 1-based): chr1:172,442,398, C>T on the plus strand (G>A on the coding strand, the complement: PIGC is on the minus strand). VCF-style: chr1-172442398-C-T. GRCh37 (hg19) VCF-style: chr1-172411538-C-T.
Other names: c.225G>A, p.Met75Ile (NM_002642.4); c.22-2675C>T (NM_139240.4); c.225G>A (NM_002642.3); short protein forms M75I.
Identifiers: ClinVar variation 2169336 (VCV002169336.4), dbSNP rs1317534765, ClinGen allele CA343733008.